The following is an entry in ClinVar:

ClinVar aggregate classification (germline): Uncertain significance (1 of 4 stars; one submission).

Submission:

CeGaT Center for Human Genetics Tuebingen
Classification: Uncertain significance. Last evaluated: 2026-01-01. Review status: criteria provided, single submitter. Criteria: CeGaT Center For Human Genetics Tuebingen Variant Classification Criteria Version 2. Collection method: clinical testing. Allele origin: germline. Affected: yes. Observed: 1 variant allele.
Comment: ZNF462: PM2, BP4

NM_021224.6(ZNF462):c.4070C>T (p.Pro1357Leu)

Gene: ZNF462 (zinc finger protein 462; plus strand). Cytogenetic location: 9q31.2.
Variant type: single nucleotide variant.
Coding change: c.4070C>T on transcript NM_021224.6 (MANE Select); coding-DNA position 4070, C replaced by T.
Protein change: p.Pro1357Leu; replaces proline 1357 with leucine.
Molecular consequence: missense variant. On other transcripts: intron variant (1).
Genome position (GRCh38, 1-based): chr9:106,927,982, C>T. VCF-style: chr9-106927982-C-T. GRCh37 (hg19) VCF-style: chr9-109690263-C-T.
Other names: c.3252+818C>T (NM_001347997.2); short protein forms P1357L.
Identifiers: ClinVar variation 4822635 (VCV004822635.4).